The following is an entry in ClinVar:

NM_001267550.2(TTN):c.5045T>G (p.Leu1682Trp)

Gene: TTN (titin; minus strand). Cytogenetic location: 2q31.2.
Variant type: single nucleotide variant.
Coding change: c.5045T>G on transcript NM_001267550.2 (MANE Select); coding-DNA position 5045, T replaced by G.
Protein change: p.Leu1682Trp; replaces leucine 1682 with tryptophan.
Molecular consequence: missense variant.
Genome position (GRCh38, 1-based): chr2:178,776,819, A>C on the plus strand (T>G on the coding strand, the complement: TTN is on the minus strand). VCF-style: chr2-178776819-A-C. GRCh37 (hg19) VCF-style: chr2-179641546-A-C.
Other names: c.5045T>G, p.Leu1682Trp (NM_001256850.1, NM_133378.4, NM_133379.5); c.4907T>G, p.Leu1636Trp (NM_003319.4, NM_133432.3, NM_133437.4); short protein forms L1636W, L1682W.
Identifiers: ClinVar variation 1028575 (VCV001028575.1), dbSNP rs2092276401, ClinGen allele CA349457357.

ClinVar aggregate classification (germline): Uncertain significance (1 of 4 stars; one submission).

Conditions:
Dilated cardiomyopathy 1G (CMD1G). Identifiers: Orphanet 154, MedGen C1858763, MONDO:0011400, OMIM 604145.

Submission:

Baylor Genetics
Classification: Uncertain significance for Dilated cardiomyopathy 1G. Last evaluated: 2020-05-05. Review status: criteria provided, single submitter. Criteria: ACMG Guidelines, 2015. Collection method: clinical testing. Allele origin: unknown. Affected: yes.
Comment: This variant was determined to be of uncertain significance according to ACMG Guidelines, 2015 [PMID:25741868].